The following is an entry in ClinVar:

NM_007294.4(BRCA1):c.2680A>T (p.Lys894Ter)

Gene: BRCA1 (BRCA1 DNA repair associated; minus strand). Cytogenetic location: 17q21.31.
Variant type: single nucleotide variant.
Coding change: c.2680A>T on transcript NM_007294.4 (MANE Select); coding-DNA position 2680, A replaced by T.
Protein change: p.Lys894Ter; replaces lysine 894 with a stop codon.
Molecular consequence: nonsense. On other transcripts: intron variant (137).
Genome position (GRCh38, 1-based): chr17:43,092,851, T>A on the plus strand (A>T on the coding strand, the complement: BRCA1 is on the minus strand). VCF-style: chr17-43092851-T-A. GRCh37 (hg19) VCF-style: chr17-41244868-T-A.
Other names: c.2677A>T, p.Lys893Ter (NM_001407613.1, NM_001407614.1, NM_001407615.1 and 22 more transcripts); c.2680A>T, p.Lys894Ter (NM_001407616.1, NM_001407617.1, NM_001407618.1 and 30 more transcripts); c.2602A>T, p.Lys868Ter (NM_001407654.1, NM_001407655.1, NM_001407656.1 and 4 more transcripts); c.2599A>T, p.Lys867Ter (NM_001407659.1, NM_001407660.1, NM_001407661.1 and 1 more transcripts); c.2554A>T, p.Lys852Ter (NM_001407673.1, NM_001407649.1, NM_001407670.1 and 11 more transcripts); c.2557A>T, p.Lys853Ter (NM_001407674.1, NM_001407675.1, NM_001407676.1 and 19 more transcripts); c.2539A>T, p.Lys847Ter (NM_001407692.1, NM_001407694.1, NM_001407695.1 and 29 more transcripts); c.2536A>T, p.Lys846Ter (NM_001407740.1, NM_001407741.1, NM_001407742.1 and 20 more transcripts); and 41 more; short protein forms K894*, K847*, K782*, K783*, K805*, K806*, K823*, K853*.
Identifiers: ClinVar variation 231951 (VCV000231951.6), dbSNP rs876659457, ClinGen allele CA10580605.

ClinVar aggregate classification (germline): Pathogenic. Review status: reviewed by expert panel (3 of 4 stars). 2 submissions from 2 submitters: Pathogenic (1). 1 of the submissions does not count toward it. Last evaluated 2017-12-15.

Conditions:
Breast-ovarian cancer, familial, susceptibility to, 1 (BROVCA1). Also called: BRCA1 Hereditary Breast and Ovarian Cancer; OVARIAN CANCER, SUSCEPTIBILITY TO. Identifiers: Orphanet 145, MedGen C2676676, MONDO:0011450, OMIM 604370. Disease mechanism: loss of function.
Hereditary cancer-predisposing syndrome. Also called: Tumor predisposition; Hereditary Cancer Syndrome; Neoplastic Syndromes, Hereditary; Hereditary neoplastic syndrome. Identifiers: Orphanet 140162, MedGen C0027672, MeSH D009386, MONDO:0015356.

Submissions (2):

Evidence-based Network for the Interpretation of Germline Mutant Alleles (ENIGMA)
Classification: Pathogenic for Breast-ovarian cancer, familial, susceptibility to, 1. Last evaluated: 2017-12-15. Review status: reviewed by expert panel. Criteria: ENIGMA BRCA1/2 Classification Criteria (2017-06-29). Collection method: curation. Allele origin: germline. Study: ENIGMA.
Comment: Variant allele predicted to encode a truncated non-functional protein.

Ambry Genetics
Classification: Pathogenic for Hereditary cancer-predisposing syndrome. Last evaluated: 2016-09-15. Review status: criteria provided, single submitter. Criteria: Ambry Variant Classification Scheme 2023. Collection method: clinical testing. Allele origin: germline. Not counted in ClinVar's aggregate classification.
Comment: The p.K894* pathogenic mutation (also known as c.2680A>T), located in coding exon 9 of the BRCA1 gene, results from an A to T substitution at nucleotide position 2680. This changes the amino acid from a lysine to a stop codon within coding exon 9. This alteration is expected to result in loss of function by premature protein truncation or nonsense-mediated mRNA decay. As such, this alteration is interpreted as a disease-causing mutation.